The following is an entry in ClinVar:

ClinVar aggregate classification (germline): Conflicting classifications of pathogenicity. Review status: criteria provided, conflicting classifications (1 of 4 stars). 4 submissions from 4 submitters: Uncertain significance (1); Likely benign (2). 1 of the submissions does not count toward it. Last evaluated 2026-02-04.

Conditions:
PEX6-related disorder. Also called: PEX6-related condition; PEX6-related disorders.
Peroxisome biogenesis disorder. Identifiers: Orphanet 79189, MedGen C1832200, MONDO:0019234. Disease mechanism: loss of function.

Submissions (4):

Labcorp Genetics (formerly Invitae), Labcorp
Classification: Likely benign for Peroxisome biogenesis disorder. Last evaluated: 2026-02-04. Review status: criteria provided, single submitter. Criteria: Invitae Variant Classification Sherloc (09022015). Collection method: clinical testing. Allele origin: germline.

Blueprint Genetics
Classification: Likely benign. Last evaluated: 2023-09-30. Review status: criteria provided, single submitter. Criteria: ACMG Guidelines, 2015. Collection method: clinical testing. Allele origin: germline.

Eurofins Ntd Llc (ga)
Classification: Uncertain significance. Last evaluated: 2017-07-17. Review status: criteria provided, single submitter. Criteria: EGL Classification Definitions 2015. Collection method: clinical testing. Allele origin: germline. Observed: 1 variant allele, 1 heterozygote.

PreventionGenetics, part of Exact Sciences
Classification: Likely benign for PEX6-related condition. Last evaluated: 2022-08-18. Review status: no assertion criteria provided. Collection method: clinical testing. Allele origin: germline. Not counted in ClinVar's aggregate classification.
Comment: This variant is classified as likely benign based on ACMG/AMP sequence variant interpretation guidelines (Richards et al. 2015 PMID: 25741868, with internal and published modifications).

NM_000287.4(PEX6):c.2301-5_2301-2del

Gene: PEX6 (peroxisomal biogenesis factor 6; minus strand). Cytogenetic location: 6p21.1.
Variant type: Microsatellite.
Coding change: c.2301-5_2301-2del on transcript NM_000287.4 (MANE Select); 5 bases into the intron before coding-DNA position 2301 through the canonical splice acceptor site of the intron before coding-DNA position 2301, 4 bases deleted (CTCA; older notation c.2301-5_2301-2delCTCA).
Molecular consequence: splice acceptor variant.
Genome position (GRCh38, 1-based): chr6:42,966,107-42,966,110, TGAG deleted on the plus strand (CTCA on the coding strand, the reverse complement: PEX6 is on the minus strand); deleting any 4 consecutive bases within chr6:42,966,107-42,966,114 gives the same sequence; the c. name uses the placement nearest the transcript's 3' end. VCF-style (leftmost placement, unchanged base first): chr6-42966106-CTGAG-C. GRCh37 (hg19) VCF-style: chr6-42933844-CTGAG-C.
Other names: c.2037-5_2037-2del (NM_001316313.2); c.2301-5_2301-2delCTCA (NM_000287.3).
Identifiers: ClinVar variation 593266 (VCV000593266.17), dbSNP rs748032659, ClinGen allele CA3811070.